The following is an entry in ClinVar:

ClinVar aggregate classification (germline): Likely benign. Review status: criteria provided, multiple submitters, no conflicts (2 of 4 stars). 2 submissions from 2 submitters: Likely benign (2). Last evaluated 2026-07-08.

Conditions:
Rhabdoid tumor predisposition syndrome 2 (RTPS2). Identifiers: Orphanet 231108, Orphanet 69077, MedGen C2750074, MONDO:0013224, OMIM 613325.

Submissions (2):

Myriad Genetics, Inc.
Classification: Likely benign for Rhabdoid tumor predisposition syndrome 2. Last evaluated: 2026-07-08. Review status: criteria provided, single submitter. Criteria: Myriad Autosomal Dominant, Autosomal Recessive and X-Linked Classification Criteria (2023). Collection method: clinical testing. Allele origin: unknown.
Comment: This variant is considered likely benign. This variant is intronic and is not expected to impact mRNA splicing.

Labcorp Genetics (formerly Invitae), Labcorp
Classification: Likely benign for Rhabdoid tumor predisposition syndrome 2. Last evaluated: 2021-09-15. Review status: criteria provided, single submitter. Criteria: Invitae Variant Classification Sherloc (09022015). Collection method: clinical testing. Allele origin: germline.

NM_003072.5(SMARCA4):c.3774+10G>A

Gene: SMARCA4 (SWI/SNF related BAF chromatin remodeling complex subunit ATPase 4; plus strand). Cytogenetic location: 19p13.2.
Variant type: single nucleotide variant.
Coding change: c.3774+10G>A on transcript NM_003072.5 (MANE Select); 10 bases into the intron after coding-DNA position 3774, G replaced by A.
Molecular consequence: intron variant.
Genome position (GRCh38, 1-based): chr19:11,033,527, G>A. VCF-style: chr19-11033527-G-A. GRCh37 (hg19) VCF-style: chr19-11144203-G-A.
Other names: c.3774+10G>A (NM_001128844.3, NM_001128849.3, NM_001128847.4 and 5 more transcripts).
Identifiers: ClinVar variation 1583082 (VCV001583082.9), dbSNP rs1555784620, ClinGen allele CA2573155688.